The following is an entry in ClinVar:

ClinVar aggregate classification (germline): Uncertain significance. Review status: criteria provided, multiple submitters, no conflicts (2 of 4 stars). 4 submissions from 4 submitters: Uncertain significance (4). Last evaluated 2024-12-15.

Conditions:
Cardiovascular phenotype. Identifiers: MedGen CN230736.
Hereditary cancer-predisposing syndrome. Also called: Hereditary neoplastic syndrome; Neoplastic Syndromes, Hereditary; Tumor predisposition; Hereditary Cancer Syndrome. Identifiers: Orphanet 140162, MedGen C0027672, MeSH D009386, MONDO:0015356.
Juvenile myelomonocytic leukemia (JMML). Also called: LEUKEMIA, JUVENILE MYELOMONOCYTIC, SOMATIC. Identifiers: Orphanet 86834, MedGen C0349639, MONDO:0011908, OMIM 607785, HP:0012209.
Neurofibromatosis-Noonan syndrome (NFNS). Also called: NEUROFIBROMATOSIS WITH NOONAN PHENOTYPE. Identifiers: Orphanet 638, MedGen C2931482, MONDO:0011035, OMIM 601321. Disease mechanism: loss of function.
Neurofibromatosis, familial spinal (FSNF). Identifiers: Orphanet 636, MedGen C1834235, MONDO:0008078, OMIM 162210. Disease mechanism: loss of function.
Neurofibromatosis, type 1 (NF1). Also called: VON RECKLINGHAUSEN DISEASE; Peripheral type neurofibromatosis; NEUROFIBROMATOSIS, TYPE I, SOMATIC; Neurofibromatosis, type I. Identifiers: Orphanet 636, MedGen C0027831, MONDO:0018975, OMIM 162200. Disease mechanism: loss of function.
Café-au-lait macules with pulmonary stenosis (WTSN). Also called: PULMONIC STENOSIS WITH CAFE-AU-LAIT SPOTS. Identifiers: MedGen C0553586, MONDO:0008672, OMIM 193520.

Submissions (4):

Labcorp Genetics (formerly Invitae), Labcorp
Classification: Uncertain significance for Neurofibromatosis, type 1. Last evaluated: 2024-12-15. Review status: criteria provided, single submitter. Criteria: Invitae Variant Classification Sherloc (09022015). Collection method: clinical testing. Allele origin: germline.
Comment: This sequence change replaces leucine, which is neutral and non-polar, with methionine, which is neutral and non-polar, at codon 1418 of the NF1 protein (p.Leu1418Met). This variant is not present in population databases (gnomAD no frequency). This variant has not been reported in the literature in individuals affected with NF1-related conditions. ClinVar contains an entry for this variant (Variation ID: 481992). Invitae Evidence Modeling of protein sequence and biophysical properties (such as structural, functional, and spatial information, amino acid conservation, physicochemical variation, residue mobility, and thermodynamic stability) indicates that this missense variant is expected to disrupt NF1 protein function with a positive predictive value of 95%. In summary, the available evidence is currently insufficient to determine the role of this variant in disease. Therefore, it has been classified as a Variant of Uncertain Significance.

GeneDx
Classification: Uncertain significance. Last evaluated: 2022-04-14. Review status: criteria provided, single submitter. Criteria: GeneDx Variant Classification Process June 2021. Collection method: clinical testing. Allele origin: germline. Affected: yes.
Comment: Not observed at significant frequency in large population cohorts (gnomAD); In silico analysis supports that this missense variant does not alter protein structure/function; Has not been previously published as pathogenic or benign to our knowledge; This variant is associated with the following publications: (PMID: 22807134, 25486365)

Fulgent Genetics
Classification: Uncertain significance for Neurofibromatosis, type 1; Neurofibromatosis, familial spinal; Café-au-lait macules with pulmonary stenosis; Neurofibromatosis-Noonan syndrome; Juvenile myelomonocytic leukemia. Last evaluated: 2021-09-27. Review status: criteria provided, single submitter. Criteria: ACMG Guidelines, 2015. Collection method: clinical testing. Allele origin: unknown.

Ambry Genetics
Classification: Uncertain significance for Cardiovascular phenotype; Hereditary cancer-predisposing syndrome. Last evaluated: 2021-06-16. Review status: criteria provided, single submitter. Criteria: Ambry Variant Classification Scheme 2023. Collection method: clinical testing. Allele origin: germline.
Comment: The p.L1418M variant (also known as c.4252T>A), located in coding exon 31 of the NF1 gene, results from a T to A substitution at nucleotide position 4252. The leucine at codon 1418 is replaced by methionine, an amino acid with highly similar properties. This amino acid position is highly conserved in available vertebrate species. In addition, this alteration is predicted to be deleterious by in silico analysis. Since supporting evidence is limited at this time, the clinical significance of this alteration remains unclear.

NM_001042492.3(NF1):c.4315T>A (p.Leu1439Met)

Gene: NF1 (neurofibromin 1; plus strand). Cytogenetic location: 17q11.2.
Variant type: single nucleotide variant.
Coding change: c.4315T>A on transcript NM_001042492.3 (MANE Select); coding-DNA position 4315, T replaced by A.
Protein change: p.Leu1439Met; replaces leucine 1439 with methionine.
Molecular consequence: missense variant.
Genome position (GRCh38, 1-based): chr17:31,258,485, T>A. VCF-style: chr17-31258485-T-A. GRCh37 (hg19) VCF-style: chr17-29585503-T-A.
Other names: c.4252T>A, p.Leu1418Met (NM_000267.4); short protein forms L1439M, L1418M.
Identifiers: ClinVar variation 481992 (VCV000481992.13), dbSNP rs1555618562, ClinGen allele CA398998116.
Genomic context (GRCh38, chr17:31,258,485, plus strand): 5'-GTCTCACCGTATGAAGCAGGGATTTTAGATAAAAAGCCACCACCTAGAATCGAAAGGGGC[T>A]TGAAGTTAATGTCAAAGGTGAATTATTTTGATAATCTAGCTATCTTAAATTCCCCTTCCA-3'
Protein context (NP_001035957.1, residues 1429-1449): KKPPPRIERG[Leu1439Met]KLMSKILQSI